The following is an entry in ClinVar:

ClinVar aggregate classification (germline): Uncertain significance (1 of 4 stars; one submission).

Conditions:
3-hydroxy-3-methylglutaryl-CoA synthase deficiency (HMGCS2D). Also called: HMG-CoA synthase-2 deficiency; HMGCS2 DEFICIENCY; MITOCHONDRIAL HMG-CoA SYNTHASE DEFICIENCY. Identifiers: Orphanet 35701, MedGen C2751532, MONDO:0011614, OMIM 605911.

Allele frequency attached by ClinVar (database versions not stated): TOPMed below 0.00001; gnomAD 0.00001.
gnomAD v4.1: 18 of 1,614,040 alleles (0.0011%); highest among the groups gnomAD compares: East Asian, 0.036%; no homozygotes.

Submission:

Labcorp Genetics (formerly Invitae), Labcorp
Classification: Uncertain significance for 3-hydroxy-3-methylglutaryl-CoA synthase deficiency. Last evaluated: 2024-10-29. Review status: criteria provided, single submitter. Criteria: Invitae Variant Classification Sherloc (09022015). Collection method: clinical testing. Allele origin: germline.
Comment: This sequence change replaces glutamine, which is neutral and polar, with proline, which is neutral and non-polar, at codon 296 of the HMGCS2 protein (p.Gln296Pro). This variant is not present in population databases (gnomAD no frequency). This variant has not been reported in the literature in individuals affected with HMGCS2-related conditions. ClinVar contains an entry for this variant (Variation ID: 2050527). Invitae Evidence Modeling of protein sequence and biophysical properties (such as structural, functional, and spatial information, amino acid conservation, physicochemical variation, residue mobility, and thermodynamic stability) indicates that this missense variant is not expected to disrupt HMGCS2 protein function with a negative predictive value of 80%. In summary, the available evidence is currently insufficient to determine the role of this variant in disease. Therefore, it has been classified as a Variant of Uncertain Significance.

NM_005518.4(HMGCS2):c.887A>C (p.Gln296Pro)

Gene: HMGCS2 (3-hydroxy-3-methylglutaryl-CoA synthase 2; minus strand). Cytogenetic location: 1p12.
Variant type: single nucleotide variant.
Coding change: c.887A>C on transcript NM_005518.4 (MANE Select); coding-DNA position 887, A replaced by C.
Protein change: p.Gln296Pro; replaces glutamine 296 with proline.
Molecular consequence: missense variant.
Genome position (GRCh38, 1-based): chr1:119,757,402, T>G on the plus strand (A>C on the coding strand, the complement: HMGCS2 is on the minus strand). VCF-style: chr1-119757402-T-G. GRCh37 (hg19) VCF-style: chr1-120300025-T-G.
Other names: c.761A>C, p.Gln254Pro (NM_001166107.1); short protein forms Q254P, Q296P.
Identifiers: ClinVar variation 2050527 (VCV002050527.4), dbSNP rs865947488, ClinGen allele CA341860788.